The following is an entry in ClinVar:

ClinVar aggregate classification (germline): Uncertain significance. Review status: criteria provided, single submitter (1 of 4 stars). 3 submissions from 2 submitters: Uncertain significance (2). 1 of the submissions does not count toward it.

Conditions:
Transitory neonatal diabetes mellitus. Also called: Transient neonatal diabetes mellitus. Identifiers: MedGen C0342273, MONDO:0020525, HP:0008255.
Maturity-onset diabetes of the young (MODY). Also called: Maturity onset diabetes mellitus in young. Identifiers: Orphanet 552, MedGen C0342276, MONDO:0018911, HP:0004904.
Hyperinsulinemic hypoglycemia, familial, 1 (HHF1). Also called: Persistent Hyperinsulinemia Hypoglycemia of Infancy; HYPERINSULINISM, FAMILIAL, WITH PANCREATIC NESIDIOBLASTOSIS; HYPOGLYCEMIA, HYPERINSULINEMIC, OF INFANCY; NESIDIOBLASTOSIS OF PANCREAS; Persistent hyperinsulinemic hypoglycemia of infancy. Identifiers: Orphanet 276575, Orphanet 276598, MedGen C2931832, MONDO:0009734, OMIM 256450.

Submissions (3):

Clinical Genomics, Uppaluri K&H Personalized Medicine Clinic
Classification: Uncertain significance for Maturity-onset diabetes of the young. Review status: criteria provided, single submitter. Criteria: K & H Uppaluri Personalized Medicine Clinic Variant Classification & Assertion Criteria_Updated V.1. Collection method: research. Allele origin: somatic. Inheritance: Somatic mutation.
Comment: Mutations in ABCC8 gene are associated with both neonatal diabetes mellitus as well as MODY. Patients with this mutation may have a better response to sulfonylureas. However, no sufficient evidence is found to ascertain the role of this particular variant ( rs1057516655) in MODY yet.

Clinical Genomics, Uppaluri K&H Personalized Medicine Clinic
Classification: Uncertain significance for Transitory neonatal diabetes mellitus. Review status: criteria provided, single submitter. Criteria: K & H Uppaluri Personalized Medicine Clinic Variant Classification & Assertion Criteria_Updated V.1. Collection method: research. Allele origin: somatic. Inheritance: Somatic mutation.
Comment: Mutations in ABCC8 gene are associated with both neonatal diabetes mellitus as well as MODY. Patients with this mutation may have a better response to sulfonylureas. However, no sufficient evidence is found to ascertain the role of this particular variant ( rs1057516655) in neonatal diabetes yet.

Counsyl
Classification: Likely pathogenic for Hyperinsulinemic hypoglycemia, familial, 1. Last evaluated: 2016-03-17. Review status: no assertion criteria provided. Collection method: clinical testing. Allele origin: unknown. Not counted in ClinVar's aggregate classification.

Literature cited by the submitters: PubMed 16885549 (cited by Clinical Genomics, Uppaluri K&H Personalized Medicine Clinic); PubMed 21989597 (cited by Clinical Genomics, Uppaluri K&H Personalized Medicine Clinic); PubMed 27538677 (cited by Clinical Genomics, Uppaluri K&H Personalized Medicine Clinic); PubMed 18981553 (cited by Clinical Genomics, Uppaluri K&H Personalized Medicine Clinic); PubMed 32027066 (cited by Clinical Genomics, Uppaluri K&H Personalized Medicine Clinic); PubMed 16613899 (cited by Clinical Genomics, Uppaluri K&H Personalized Medicine Clinic); PubMed 18025408 (cited by Clinical Genomics, Uppaluri K&H Personalized Medicine Clinic); PubMed 32792356 (cited by Clinical Genomics, Uppaluri K&H Personalized Medicine Clinic).

NM_000352.6(ABCC8):c.4474del (p.Ala1492fs)

Gene: ABCC8 (ATP binding cassette subfamily C member 8; minus strand). Cytogenetic location: 11p15.1.
Variant type: Deletion.
Coding change: c.4474del on transcript NM_000352.6 (MANE Select); coding-DNA position 4474, one base deleted (G; older notation c.4474delG).
Protein change: p.Ala1492fs; shifts the reading frame from alanine 1492.
Molecular consequence: frameshift variant. On other transcripts: non-coding transcript variant (1).
Genome position (GRCh38, 1-based): chr11:17,394,337, C deleted on the plus strand (G on the coding strand, the reverse complement: ABCC8 is on the minus strand); the first of 2 consecutive C bases (chr11:17,394,337-17,394,338); deleting either gives the same sequence. VCF-style (leftmost placement, unchanged base first): chr11-17394336-GC-G. GRCh37 (hg19) VCF-style: chr11-17415883-GC-G.
Other names: c.4477del, p.Ala1493fs (NM_001287174.3); c.4540del, p.Ala1514fs (NM_001351295.2); c.4474del, p.Ala1492fs (NM_001351296.2); c.4471del, p.Ala1491fs (NM_001351297.2); short protein forms A1491fs, A1514fs, A1492fs, A1493fs.
Identifiers: ClinVar variation 370647 (VCV000370647.4), dbSNP rs1057516655, ClinGen allele CA16041434.